The following is an entry in ClinVar:

NM_001164665.2(KIAA1549):c.5541G>T (p.Gln1847His)

Gene: KIAA1549 (KIAA1549; minus strand). Cytogenetic location: 7q34.
Variant type: single nucleotide variant.
Coding change: c.5541G>T on transcript NM_001164665.2 (MANE Select); coding-DNA position 5541, G replaced by T.
Protein change: p.Gln1847His; replaces glutamine 1847 with histidine.
Molecular consequence: missense variant.
Genome position (GRCh38, 1-based): chr7:138,840,190, C>A on the plus strand (G>T on the coding strand, the complement: KIAA1549 is on the minus strand). VCF-style: chr7-138840190-C-A. GRCh37 (hg19) VCF-style: chr7-138524935-C-A.
Other names: c.5541G>T, p.Gln1847His (NM_020910.3); short protein forms Q1847H.
Identifiers: ClinVar variation 2181023 (VCV002181023.4), dbSNP rs2485427722, ClinGen allele CA369385843.

ClinVar aggregate classification (germline): Uncertain significance (1 of 4 stars; one submission).

Submission:

Labcorp Genetics (formerly Invitae), Labcorp
Classification: Uncertain significance. Last evaluated: 2023-11-20. Review status: criteria provided, single submitter. Criteria: Invitae Variant Classification Sherloc (09022015). Collection method: clinical testing. Allele origin: germline.
Comment: This sequence change replaces glutamine, which is neutral and polar, with histidine, which is basic and polar, at codon 1847 of the KIAA1549 protein (p.Gln1847His). This variant is not present in population databases (gnomAD no frequency). This variant has not been reported in the literature in individuals affected with KIAA1549-related conditions. ClinVar contains an entry for this variant (Variation ID: 2181023). An algorithm developed to predict the effect of missense changes on protein structure and function (PolyPhen-2) suggests that this variant is likely to be disruptive. In summary, the available evidence is currently insufficient to determine the role of this variant in disease. Therefore, it has been classified as a Variant of Uncertain Significance.